The following is an entry in ClinVar:

NM_014845.6(FIG4):c.640G>A (p.Gly214Arg)

Gene: FIG4 (FIG4 phosphoinositide 5-phosphatase; plus strand). Cytogenetic location: 6q21.
Variant type: single nucleotide variant.
Coding change: c.640G>A on transcript NM_014845.6 (MANE Select); coding-DNA position 640, G replaced by A.
Protein change: p.Gly214Arg; replaces glycine 214 with arginine.
Molecular consequence: missense variant.
Genome position (GRCh38, 1-based): chr6:109,735,292, G>A. VCF-style: chr6-109735292-G-A. GRCh37 (hg19) VCF-style: chr6-110056495-G-A.
Other names: short protein forms G214R.
Identifiers: ClinVar variation 543496 (VCV000543496.23), dbSNP rs529048339, ClinGen allele CA3955852.

ClinVar aggregate classification (germline): Conflicting classifications of pathogenicity. Review status: criteria provided, conflicting classifications (1 of 4 stars). 8 submissions from 7 submitters: Uncertain significance (3); Benign (1); Likely benign (3). 1 of the submissions does not count toward it. Last evaluated 2025-08-13.

Conditions:
Inborn genetic diseases. Identifiers: MedGen C0950123, MeSH D030342.
FIG4-related disorder. Also called: FIG4-related condition; FIG4-related disorders.
Charcot-Marie-Tooth disease type 4. Also called: Charcot-Marie-Tooth disease, type IV; Charcot-Marie-Tooth, Type 4. Identifiers: Orphanet 64749, MedGen C4082197, MONDO:0018995.
Amyotrophic lateral sclerosis type 11 (ALS11). Identifiers: Orphanet 803, MedGen C2675491, MONDO:0012945, OMIM 612577.
Charcot-Marie-Tooth disease type 4J (CMT4J). Also called: Charcot-Marie-Tooth Neuropathy Type 4J; CHARCOT-MARIE-TOOTH DISEASE, DEMYELINATING, TYPE 4J; CHARCOT-MARIE-TOOTH DISEASE, AUTOSOMAL RECESSIVE, TYPE 4J. Identifiers: Orphanet 139515, MedGen C1970011, MONDO:0012640, OMIM 611228.

Allele frequency attached by ClinVar (database versions not stated): gnomAD below 0.00001 and 0.00010; TOPMed 0.00002; gnomAD exomes 0.00013 and 0.00033; ExAC 0.00040; 1000 Genomes Project 30x 0.00109; 1000 Genomes Project 0.00140.
gnomAD v4.1: 209 of 1,613,060 alleles (0.013%); highest among the groups gnomAD compares: South Asian, 0.22%; 2 homozygotes.

Submissions (8):

Labcorp Genetics (formerly Invitae), Labcorp
Classification: Likely benign for Charcot-Marie-Tooth disease type 4. Last evaluated: 2025-08-13. Review status: criteria provided, single submitter. Criteria: Invitae Variant Classification Sherloc (09022015). Collection method: clinical testing. Allele origin: germline.

Athena Diagnostics
Classification: Likely benign. Last evaluated: 2024-03-07. Review status: criteria provided, single submitter. Criteria: Athena Diagnostics Criteria. Collection method: clinical testing. Allele origin: unknown.

Blueprint Genetics
Classification: Uncertain significance. Last evaluated: 2023-03-08. Review status: criteria provided, single submitter. Criteria: ACMG Guidelines, 2015. Collection method: clinical testing. Allele origin: germline.

Ambry Genetics
Classification: Likely benign for Inborn genetic diseases. Last evaluated: 2021-06-08. Review status: criteria provided, single submitter. Criteria: Ambry Variant Classification Scheme 2023. Collection method: clinical testing. Allele origin: germline.

Revvity Omics, Revvity
Classification: Uncertain significance. Last evaluated: 2020-12-07. Review status: criteria provided, single submitter. Criteria: ACMG Guidelines, 2015. Collection method: clinical testing. Allele origin: germline.

Illumina Laboratory Services, Illumina
Classification: Benign for Amyotrophic lateral sclerosis type 11. Last evaluated: 2018-01-12. Review status: criteria provided, single submitter. Criteria: ICSL Variant Classification Criteria 13 December 2019. Collection method: clinical testing. Allele origin: germline.
Comment: This variant was observed in the ICSL laboratory as part of a predisposition screen in an ostensibly healthy population. It had not been previously curated by ICSL or reported in the Human Gene Mutation Database (HGMD: prior to June 1st, 2018), and was therefore a candidate for classification through an automated scoring system. Utilizing variant allele frequency, disease prevalence and penetrance estimates, and inheritance mode, an automated score was calculated to assess if this variant is too frequent to cause the disease. Based on the score and internal cut-off values, a variant classified as benign is not then subjected to further curation. The score for this variant resulted in a classification of benign for this disease.

Illumina Laboratory Services, Illumina
Classification: Uncertain significance for Charcot-Marie-Tooth disease type 4J. Last evaluated: 2018-01-12. Review status: criteria provided, single submitter. Criteria: ICSL Variant Classification Criteria 13 December 2019. Collection method: clinical testing. Allele origin: germline.

PreventionGenetics, part of Exact Sciences
Classification: Likely benign for FIG4-related condition. Last evaluated: 2022-05-09. Review status: no assertion criteria provided. Collection method: clinical testing. Allele origin: germline. Not counted in ClinVar's aggregate classification.
Comment: This variant is classified as likely benign based on ACMG/AMP sequence variant interpretation guidelines (Richards et al. 2015 PMID: 25741868, with internal and published modifications).

Literature cited by the submitters: PubMed 32376792 (cited by Athena Diagnostics).